The following is an entry in ClinVar:

ClinVar aggregate classification (germline): Likely pathogenic (1 of 4 stars; one submission).

Conditions:
Usher syndrome type 2A. Also called: RETINAL DISEASE IN USHER SYNDROME TYPE IIA, MODIFIER OF; USHER SYNDROME, TYPE IIA. Identifiers: Orphanet 231178, Orphanet 886, MedGen C1848634, MONDO:0010169, OMIM 276901.

Submission:

Natera, Inc.
Classification: Likely pathogenic for Usher syndrome type 2A. Last evaluated: 2025-02-09. Review status: criteria provided, single submitter. Criteria: Natera Variant Classification Schema (03/2026). Collection method: clinical testing. Allele origin: germline.
Comment: The c.9739+1G>T variant in USH2A is a canonical splice donor site variant predicted to affect pre-mRNA splicing, which may result in an abnormal transcript and altered protein product. This variant is expected to result in nonsense mediated decay, truncation, or a dysfunctional protein product. This variant is rare in the general population with a frequency below the threshold expected for the associated phenotype(s). Given the available evidence, this variant is classified as Likely Pathogenic.

NM_206933.4(USH2A):c.9739+1G>T

Gene: USH2A (usherin; minus strand). Cytogenetic location: 1q41.
Variant type: single nucleotide variant.
Coding change: c.9739+1G>T on transcript NM_206933.4 (MANE Select); the canonical splice donor site of the intron after coding-DNA position 9739, G replaced by T.
Molecular consequence: splice donor variant.
Genome position (GRCh38, 1-based): chr1:215,813,735, C>A on the plus strand (G>T on the coding strand, the complement: USH2A is on the minus strand). VCF-style: chr1-215813735-C-A. GRCh37 (hg19) VCF-style: chr1-215987077-C-A.
Identifiers: ClinVar variation 4062812 (VCV004062812.2).